The following is an entry in ClinVar:

NM_006206.6(PDGFRA):c.995T>A (p.Val332Asp)

Gene: PDGFRA (platelet derived growth factor receptor alpha; plus strand). Cytogenetic location: 4q12.
Variant type: single nucleotide variant.
Coding change: c.995T>A on transcript NM_006206.6 (MANE Select); coding-DNA position 995, T replaced by A.
Protein change: p.Val332Asp; replaces valine 332 with aspartic acid.
Molecular consequence: missense variant.
Genome position (GRCh38, 1-based): chr4:54,267,615, T>A. VCF-style: chr4-54267615-T-A. GRCh37 (hg19) VCF-style: chr4-55133782-T-A.
Other names: c.995T>A, p.Val332Asp (NM_001347827.2, NM_001347829.2); c.1070T>A, p.Val357Asp (NM_001347828.2); c.1034T>A, p.Val345Asp (NM_001347830.2); short protein forms V332D, V345D, V357D.
Identifiers: ClinVar variation 240369 (VCV000240369.2), dbSNP rs878854837, ClinGen allele CA10582239.
Genomic context (GRCh38, chr4:54,267,615, plus strand): 5'-AAGGTTTCATTGAAATCAAACCCACCTTCAGCCAGTTGGAAGCTGTCAACCTGCATGAAG[T>A]CAAACATTTTGTTGTAGAGGTGCGGGCCTACCCACCTCCCAGGATATCCTGGCTGAAAAA-3'
Protein context (NP_006197.1, residues 322-342): SQLEAVNLHE[Val332Asp]KHFVVEVRAY

ClinVar aggregate classification (germline): Uncertain significance. Review status: criteria provided, multiple submitters, no conflicts (2 of 4 stars). 2 submissions from 2 submitters: Uncertain significance (2). Last evaluated 2024-05-16.

Conditions:
Hereditary cancer-predisposing syndrome. Also called: Neoplastic Syndromes, Hereditary; Hereditary neoplastic syndrome; Hereditary Cancer Syndrome; Tumor predisposition. Identifiers: Orphanet 140162, MedGen C0027672, MeSH D009386, MONDO:0015356.
Gastrointestinal stromal tumor. Also called: Gastrointestinal stromal tumor, somatic; Gastrointestinal stroma tumor. Identifiers: Orphanet 44890, MedGen C0238198, MeSH D046152, MONDO:0011719, OMIM 606764, HP:0100723.

gnomAD v4.1: 1 of 1,614,146 alleles (0.000062%); no homozygotes.

Submissions (2):

Ambry Genetics
Classification: Uncertain significance for Hereditary cancer-predisposing syndrome. Last evaluated: 2024-05-16. Review status: criteria provided, single submitter. Criteria: Ambry Variant Classification Scheme 2023. Collection method: clinical testing. Allele origin: germline.
Comment: The p.V332D variant (also known as c.995T>A), located in coding exon 6 of the PDGFRA gene, results from a T to A substitution at nucleotide position 995. The valine at codon 332 is replaced by aspartic acid, an amino acid with highly dissimilar properties. This amino acid position is conserved. In addition, this alteration is predicted to be deleterious by in silico analysis. Based on the available evidence, the clinical significance of this variant remains unclear.

Labcorp Genetics (formerly Invitae), Labcorp
Classification: Uncertain significance for Gastrointestinal stromal tumor. Last evaluated: 2016-02-13. Review status: criteria provided, single submitter. Criteria: Invitae Variant Classification Sherloc (09022015). Collection method: clinical testing. Allele origin: germline.
Comment: This sequence change replaces valine with aspartic acid at codon 332 of the PDGFRA protein (p.Val332Asp). The valine residue is highly conserved and there is a large physicochemical difference between valine and aspartic acid. This variant is not present in population databases (ExAC no frequency) and has not been reported in the literature in individuals with a PDGFRA-related disease. Algorithms developed to predict the effect of missense changes on protein structure and function (SIFT, PolyPhen-2, Align-GVGD) all suggest that this variant is likely to be disruptive, but these predictions have not been confirmed by published functional studies. In summary, this is a novel missense change with uncertain impact on protein function. It has been classified as a Variant of Uncertain Significance.